The following is an entry in ClinVar:

ClinVar aggregate classification (germline): Conflicting classifications of pathogenicity. Review status: criteria provided, conflicting classifications (1 of 4 stars). 3 submissions from 3 submitters: Uncertain significance (2); Likely benign (1). Last evaluated 2026-03-17.

Conditions:
Nemaline myopathy 2 (NEM2). Also called: Nemaline myopathy 2, autosomal recessive. Identifiers: MedGen C1850569, MONDO:0009725, OMIM 256030.

Allele frequency attached by ClinVar (database versions not stated): gnomAD exomes below 0.00001; gnomAD 0.00001; ExAC 0.00003; 1000 Genomes Project 30x 0.00016; 1000 Genomes Project 0.00020.
gnomAD v4.1: 3 of 1,585,398 alleles (0.00019%); highest among the groups gnomAD compares: East Asian, 0.0045%; no homozygotes.

Submissions (3):

GeneDx
Classification: Uncertain significance. Last evaluated: 2026-03-17. Review status: criteria provided, single submitter. Criteria: GeneDx Variant Classification Process June 2021. Collection method: clinical testing. Allele origin: germline.
Comment: Not observed at significant frequency in large population cohorts (gnomAD); In silico analysis supports that this missense variant has a deleterious effect on protein structure/function; Has not been previously published as pathogenic or benign to our knowledge

Revvity Omics, Revvity
Classification: Uncertain significance. Last evaluated: 2024-12-26. Review status: criteria provided, single submitter. Criteria: ACMG Guidelines, 2015. Collection method: clinical testing. Allele origin: germline.

Labcorp Genetics (formerly Invitae), Labcorp
Classification: Likely benign for Nemaline myopathy 2. Last evaluated: 2023-09-19. Review status: criteria provided, single submitter. Criteria: Invitae Variant Classification Sherloc (09022015). Collection method: clinical testing. Allele origin: germline.

NM_001164508.2(NEB):c.22985A>G (p.His7662Arg)

Genes: RIF1 (replication timing regulatory factor 1; plus strand), NEB (nebulin; minus strand). Cytogenetic location: 2q23.3.
Variant type: single nucleotide variant.
Coding change: c.22985A>G on transcript NM_001164508.2 (MANE Select); coding-DNA position 22985, A replaced by G.
Protein change: p.His7662Arg; replaces histidine 7662 with arginine.
Molecular consequence: missense variant.
Genome position (GRCh38, 1-based): chr2:151,514,849, T>C on the plus strand (A>G on the coding strand, the complement: NEB is on the minus strand). VCF-style: chr2-151514849-T-C. GRCh37 (hg19) VCF-style: chr2-152371363-T-C.
Other names: c.22985A>G, p.His7662Arg (NM_001164507.2); c.23090A>G, p.His7697Arg (NM_001271208.2); c.17882A>G, p.His5961Arg (NM_004543.5); short protein forms H7662R, H5961R, H7697R.
Identifiers: ClinVar variation 2142813 (VCV002142813.6), dbSNP rs202034435, ClinGen allele CA1906482.